The following is an entry in ClinVar:

ClinVar aggregate classification (germline): Uncertain significance (1 of 4 stars; one submission).

Conditions:
Hereditary cancer-predisposing syndrome. Also called: Tumor predisposition; Hereditary neoplastic syndrome; Hereditary Cancer Syndrome; Neoplastic Syndromes, Hereditary. Identifiers: Orphanet 140162, MedGen C0027672, MeSH D009386, MONDO:0015356.

Submission:

Ambry Genetics
Classification: Uncertain significance for Hereditary cancer-predisposing syndrome. Last evaluated: 2025-03-24. Review status: criteria provided, single submitter. Criteria: Ambry Variant Classification Scheme 2023. Collection method: clinical testing. Allele origin: germline.
Comment: The c.6116_6118delGGG variant (also known as p.G2039del) is located in coding exon 44 of the POLE gene. This variant results from an in-frame GGG deletion at nucleotide positions 6116 to 6118. This results in the in-frame deletion of a glycine at codon 2039. This amino acid position is not well conserved in available vertebrate species. In addition, this alteration is predicted to be neutral by in silico analysis (Choi Y et al. PLoS ONE. 2012; 7(10):e46688). Based on the available evidence, the clinical significance of this variant remains unclear.

NM_006231.4(POLE):c.6116_6118del (p.Gly2039del)

Gene: POLE (DNA polymerase epsilon, catalytic subunit; minus strand). Cytogenetic location: 12q24.33.
Variant type: Deletion.
Coding change: c.6116_6118del on transcript NM_006231.4 (MANE Select); coding-DNA positions 6116 to 6118, 3 bases deleted (GGG; older notation c.6116_6118delGGG).
Protein change: p.Gly2039del; deletes glycine 2039.
Genome position (GRCh38, 1-based): chr12:132,632,682-132,632,684, CCC deleted on the plus strand (GGG on the coding strand, the reverse complement: POLE is on the minus strand); deleting any 3 consecutive bases within chr12:132,632,682-132,632,686 gives the same sequence; the c. name uses the placement nearest the transcript's 3' end. VCF-style (leftmost placement, unchanged base first): chr12-132632681-GCCC-G. GRCh37 (hg19) VCF-style: chr12-133209267-GCCC-G.
Other names: short protein forms G2039del.
Identifiers: ClinVar variation 3935686 (VCV003935686.1).
Genomic context (GRCh38, chr12:132,632,681, plus strand): 5'-ACTGGCACATGGCAGTGGCCTCAAAAGACAAAAGACTGCTCACCGGGAAGGGCTCCGACC[GCCC>G]CCTCGGCCTCCTGGGAGAGCTGGCTGGCCCCCCTCCTCCTCACGGGGGTGCTCCCTGGAG-3'